The following is an entry in ClinVar:

ClinVar aggregate classification (germline): Benign. Review status: criteria provided, multiple submitters, no conflicts (2 of 4 stars). 2 submissions from 2 submitters: Benign (2). Last evaluated 2018-01-13.

Conditions:
SRD5A3-congenital disorder of glycosylation. Also called: CDG Iq; COLOBOMA, OCULAR, WITH ICHTHYOSIS, BRAIN MALFORMATIONS, AND ENDOCRINE ABNORMALITIES; Ocular colobomas, ichthyosis, brain malformations and endocrine abnormalities; Congenital disorder of glycosylation type 1Q; SRD5A3-CDG. Identifiers: Orphanet 324737, MedGen C4317224, MONDO:0012885, OMIM 612379.

Allele frequency attached by ClinVar (database versions not stated): TOPMed 0.26075; 1000 Genomes Project 0.26737; 1000 Genomes Project 30x 0.26968; gnomAD 0.27835 and 0.28067.
gnomAD v4.1: 42,649 of 152,060 alleles (28%); highest among the groups gnomAD compares: South Asian, 40%; 6,239 homozygotes.

Submissions (2):

Illumina Laboratory Services, Illumina
Classification: Benign for SRD5A3-congenital disorder of glycosylation. Last evaluated: 2018-01-13. Review status: criteria provided, single submitter. Criteria: ICSL Variant Classification Criteria 13 December 2019. Collection method: clinical testing. Allele origin: germline.
Comment: This variant was observed in the ICSL laboratory as part of a predisposition screen in an ostensibly healthy population. It had not been previously curated by ICSL or reported in the Human Gene Mutation Database (HGMD: prior to June 1st, 2018), and was therefore a candidate for classification through an automated scoring system. Utilizing variant allele frequency, disease prevalence and penetrance estimates, and inheritance mode, an automated score was calculated to assess if this variant is too frequent to cause the disease. Based on the score and internal cut-off values, a variant classified as benign is not then subjected to further curation. The score for this variant resulted in a classification of benign for this disease.

Breakthrough Genomics
Classification: Benign. Review status: criteria provided, single submitter. Criteria: ACMG Guidelines, 2015. Collection method: not provided. Allele origin: germline. Inheritance: Autosomal recessive inheritance. Affected: yes.

NM_024592.5(SRD5A3):c.*879C>T

Genes: SRD5A3-AS1 (SRD5A3 antisense RNA 1; minus strand), SRD5A3 (steroid 5 alpha-reductase 3; plus strand). Cytogenetic location: 4q12.
Variant type: single nucleotide variant.
Coding change: c.*879C>T on transcript NM_024592.5 (MANE Select); 879 bases downstream of the stop codon, C replaced by T.
Molecular consequence: 3 prime UTR variant.
Genome position (GRCh38, 1-based): chr4:55,370,970, C>T. VCF-style: chr4-55370970-C-T. GRCh37 (hg19) VCF-style: chr4-56237137-C-T.
Identifiers: ClinVar variation 349022 (VCV000349022.6), dbSNP rs576732, ClinGen allele CA10621227.
Genomic context (GRCh38, chr4:55,370,970, plus strand): 5'-TTACACCAAAAGTTTCAGGAAAAAACGAGTTTGTTGGAGTTAGTTTATACTTTCACATAT[C>T]ACCACAAAGATCTCCAGTTAAATAACTATCAATATCCATTTCCATTCATCTCCCCCTCAA-3'